The following is an entry in ClinVar:

NM_001009944.3(PKD1):c.5639A>T (p.Asn1880Ile)

Gene: PKD1 (polycystin 1, transient receptor potential channel interacting; minus strand). Cytogenetic location: 16p13.3.
Variant type: single nucleotide variant.
Coding change: c.5639A>T on transcript NM_001009944.3 (MANE Select); coding-DNA position 5639, A replaced by T.
Protein change: p.Asn1880Ile; replaces asparagine 1880 with isoleucine.
Molecular consequence: missense variant.
Genome position (GRCh38, 1-based): chr16:2,109,528, T>A on the plus strand (A>T on the coding strand, the complement: PKD1 is on the minus strand). VCF-style: chr16-2109528-T-A. GRCh37 (hg19) VCF-style: chr16-2159529-T-A.
Other names: c.5639A>T, p.Asn1880Ile (NM_000296.4); c.5639A>T (NM_000296.3); short protein forms N1880I.
Identifiers: ClinVar variation 1709538 (VCV001709538.3), dbSNP rs547194096, ClinGen allele CA394376058.

ClinVar aggregate classification (germline): Uncertain significance. Review status: criteria provided, multiple submitters, no conflicts (2 of 4 stars). 2 submissions from 2 submitters: Uncertain significance (2). Last evaluated 2026-07-20.

Conditions:
Inborn genetic diseases. Identifiers: MedGen C0950123, MeSH D030342.
Polycystic kidney disease, adult type (PKD1). Also called: Polycystic Kidney Disease 1, Autosomal Dominant; Polycystic kidney disease 1; Polycystic kidney disease 1, severe; POLYCYSTIC KIDNEY DISEASE, ADULT, TYPE I; Polycystic Kidney, Autosomal Dominant; POLYCYSTIC KIDNEY DISEASE 1 WITH OR WITHOUT POLYCYSTIC LIVER DISEASE. Identifiers: MedGen C3149841, MONDO:0008263, OMIM 173900.

gnomAD v4.1: 10 of 1,610,856 alleles (0.00062%); highest among the groups gnomAD compares: Non-Finnish European, 0.00076%; no homozygotes.

Submissions (2):

Ambry Genetics
Classification: Uncertain significance for Inborn genetic diseases. Last evaluated: 2026-07-20. Review status: criteria provided, single submitter. Criteria: Ambry Variant Classification Scheme 2023. Collection method: clinical testing. Allele origin: germline.

MGZ Medical Genetics Center
Classification: Uncertain significance for Polycystic kidney disease, adult type. Last evaluated: 2022-07-04. Review status: criteria provided, single submitter. Criteria: ACMG Guidelines, 2015. Collection method: clinical testing. Allele origin: germline. Affected: yes. Observed: 1 variant allele.
Comment: ACMG criteria applied: PM2_SUP, PP4, BP4